The following is an entry in ClinVar:

NM_003850.3(SUCLA2):c.1318-1109G>A

Gene: SUCLA2 (succinate-CoA ligase ADP-forming subunit beta; minus strand). Cytogenetic location: 13q14.2.
Variant type: single nucleotide variant.
Coding change: c.1318-1109G>A on transcript NM_003850.3 (MANE Select); 1109 bases into the intron before coding-DNA position 1318, G replaced by A.
Molecular consequence: intron variant.
Genome position (GRCh38, 1-based): chr13:47,944,554, C>T on the plus strand (G>A on the coding strand, the complement: SUCLA2 is on the minus strand). VCF-style: chr13-47944554-C-T. GRCh37 (hg19) VCF-style: chr13-48518689-C-T.
Identifiers: ClinVar variation 4076231 (VCV004076231.1).
Genomic context (GRCh38, chr13:47,944,554, plus strand): 5'-AGTTTTCATTCCAAAAAAGTGCACTTTCAGAGACAAGTTATAACCTATTTATTACCTTCA[C>T]CTTTTCTCATATCTAAGTATTGCACTAGATGGACTCCTACTATCTCTCCCCTTTTCCCTT-3'

ClinVar aggregate classification (germline): Uncertain significance (1 of 4 stars; one submission).

Conditions:
Mitochondrial DNA depletion syndrome, encephalomyopathic form with methylmalonic aciduria (MTDPS5). Also called: SUCLA2-Related Mitochondrial DNA Depletion Syndrome, Encephalomyopathic Form with Methylmalonic Aciduria; MITOCHONDRIAL DNA DEPLETION SYNDROME, ENCEPHALOMYOPATHIC FORM, WITH OR WITHOUT METHYLMALONIC ACIDURIA, AUTOSOMAL RECESSIVE, SUCLA2-RELATED; Mitochondrial DNA depletion syndrome 5 (encephalomyopathic with or without methylmalonic aciduria); Mitochondrial encephalomyopathy aminoacidopathy. Identifiers: Orphanet 1933, MedGen C5980207, MONDO:0012791, OMIM 612073.

Submission:

Laboratorio de Genetica e Diagnostico Molecular, Hospital Israelita Albert Einstein
Classification: Uncertain significance for Mitochondrial DNA depletion syndrome, encephalomyopathic form with methylmalonic aciduria. Last evaluated: 2024-12-22. Review status: criteria provided, single submitter. Criteria: ACMG Guidelines, 2015. Collection method: clinical testing. Allele origin: germline. Affected: yes.
Comment: ACMG classification criteria: PM2 supporting, BP4 supporting